The following is an entry in ClinVar:

NM_001330078.2(NRXN1):c.1158+1G>T

Gene: NRXN1 (neurexin 1; minus strand). Cytogenetic location: 2p16.3.
Variant type: single nucleotide variant.
Coding change: c.1158+1G>T on transcript NM_001330078.2 (MANE Select); the canonical splice donor site of the intron after coding-DNA position 1158, G replaced by T.
Molecular consequence: splice donor variant. On other transcripts: missense variant (3), intron variant (6).
Genome position (GRCh38, 1-based): chr2:50,621,225, C>A on the plus strand (G>T on the coding strand, the complement: NRXN1 is on the minus strand). VCF-style: chr2-50621225-C-A. GRCh37 (hg19) VCF-style: chr2-50848363-C-A.
Other names: c.1258G>T, p.Val420Leu (NM_001135659.3); c.1099G>T, p.Val367Leu (NM_001330083.2, NM_001330084.2); c.1075-1042G>T (NM_001330096.2, NM_001330087.2); c.1105-1042G>T (NM_001330088.2); c.1155+1G>T (NM_001330093.2); c.1146+1G>T (NM_001330094.2); c.1135-1042G>T (NM_001330095.2, NM_001330082.2, NM_001330077.2); c.1158+1G>T (NM_001330085.2, NM_004801.6, NM_001330086.2); short protein forms V367L, V420L.
Identifiers: ClinVar variation 2101839 (VCV002101839.4), dbSNP rs2466835216, ClinGen allele CA346821984.
Genomic context (GRCh38, chr2:50,621,225, plus strand): 5'-CGGCAAACCCAAAATAAGAAACAATTAGAATGATATCTACCGAACAATGTAGTTTGTTTA[C>A]CATAGCGTGTCCAATGCCTGAGTGCTTTGTGGAGAAGGGGGGAGAAAGGAAATTAAAAAC-3'

ClinVar aggregate classification (germline): Uncertain significance (1 of 4 stars; one submission).

Conditions:
Pitt-Hopkins-like syndrome 2 (PTHSL2). Identifiers: Orphanet 221150, Orphanet 600663, MedGen C3280479, MONDO:0013690, OMIM 614325.

Submission:

Labcorp Genetics (formerly Invitae), Labcorp
Classification: Uncertain significance for Pitt-Hopkins-like syndrome 2. Last evaluated: 2022-02-22. Review status: criteria provided, single submitter. Criteria: Invitae Variant Classification Sherloc (09022015). Collection method: clinical testing. Allele origin: germline.
Comment: Algorithms developed to predict the effect of missense changes on protein structure and function are either unavailable or do not agree on the potential impact of this missense change (SIFT: "Deleterious"; PolyPhen-2: "Benign"; Align-GVGD: "Class C0"). In summary, the available evidence is currently insufficient to determine the role of this variant in disease. Therefore, it has been classified as a Variant of Uncertain Significance. This variant has not been reported in the literature in individuals affected with NRXN1-related conditions. This variant is not present in population databases (gnomAD no frequency). This sequence change replaces valine, which is neutral and non-polar, with leucine, which is neutral and non-polar, at codon 420 of the NRXN1 protein (p.Val420Leu).